The following is an entry in ClinVar:

ClinVar aggregate classification (germline): Uncertain significance (1 of 4 stars; one submission).

Allele frequency attached by ClinVar (database versions not stated): ExAC 0.00001; gnomAD 0.00001 and 0.00002; gnomAD exomes 0.00001; TOPMed 0.00001; 1000 Genomes Project 0.00040; 1000 Genomes Project 30x 0.00047.
gnomAD v4.1: 11 of 1,614,206 alleles (0.00068%); highest among the groups gnomAD compares: Admixed American, 0.015%; no homozygotes.

Submission:

Labcorp Genetics (formerly Invitae), Labcorp
Classification: Uncertain significance. Last evaluated: 2022-12-06. Review status: criteria provided, single submitter. Criteria: Invitae Variant Classification Sherloc (09022015). Collection method: clinical testing. Allele origin: germline.
Comment: This variant is present in population databases (rs202093525, gnomAD 0.006%). This variant has not been reported in the literature in individuals affected with MYO5B-related conditions. ClinVar contains an entry for this variant (Variation ID: 1503570). Advanced modeling of protein sequence and biophysical properties (such as structural, functional, and spatial information, amino acid conservation, physicochemical variation, residue mobility, and thermodynamic stability) has been performed at Invitae for this missense variant, however the output from this modeling did not meet the statistical confidence thresholds required to predict the impact of this variant on MYO5B protein function. In summary, the available evidence is currently insufficient to determine the role of this variant in disease. Therefore, it has been classified as a Variant of Uncertain Significance. This sequence change replaces asparagine, which is neutral and polar, with lysine, which is basic and polar, at codon 421 of the MYO5B protein (p.Asn421Lys).

NM_001080467.3(MYO5B):c.1263C>G (p.Asn421Lys)

Gene: MYO5B (myosin VB; minus strand). Cytogenetic location: 18q21.1.
Variant type: single nucleotide variant.
Coding change: c.1263C>G on transcript NM_001080467.3 (MANE Select); coding-DNA position 1263, C replaced by G.
Protein change: p.Asn421Lys; replaces asparagine 421 with lysine.
Molecular consequence: missense variant.
Genome position (GRCh38, 1-based): chr18:49,974,409, G>C on the plus strand (C>G on the coding strand, the complement: MYO5B is on the minus strand). VCF-style: chr18-49974409-G-C. GRCh37 (hg19) VCF-style: chr18-47500779-G-C.
Other names: short protein forms N421K.
Identifiers: ClinVar variation 1503570 (VCV001503570.7), dbSNP rs202093525, ClinGen allele CA8961595.
Genomic context (GRCh38, chr18:49,974,409, plus strand): 5'-CCCATAGATGTCCAGGACCCCGATGAAGGAGTGCTGCTTGAGGGAGGTGTGCAGGGCCTT[G>C]TTGATGTGCTCCACAATCCAGCCGAACAACTGGGCATAGATGTGCTTCGCCAGGGCGTTG-3'
Protein context (NP_001073936.1, residues 411-431): QLFGWIVEHI[Asn421Lys]KALHTSLKQH